The following is an entry in ClinVar:

NM_022455.5(NSD1):c.1318C>T (p.Arg440Ter)

Gene: NSD1 (nuclear receptor binding SET domain protein 1; plus strand). Cytogenetic location: 5q35.3.
Variant type: single nucleotide variant.
Coding change: c.1318C>T on transcript NM_022455.5 (MANE Select); coding-DNA position 1318, C replaced by T.
Protein change: p.Arg440Ter; replaces arginine 440 with a stop codon.
Molecular consequence: nonsense.
Genome position (GRCh38, 1-based): chr5:177,209,717, C>T. VCF-style: chr5-177209717-C-T. GRCh37 (hg19) VCF-style: chr5-176636718-C-T.
Other names: c.445C>T, p.Arg149Ter (NM_001365684.2, NM_001409306.1, NM_001409307.1 and 3 more transcripts); c.1318C>T, p.Arg440Ter (NM_001409301.1, NM_001409302.1, NM_001409303.1); c.898C>T, p.Arg300Ter (NM_001409304.1); c.565C>T, p.Arg189Ter (NM_001409305.1); short protein forms R171*, R440*, R149*, R189*, R300*.
Identifiers: ClinVar variation 1202491 (VCV001202491.10), dbSNP rs1270264665, ClinGen allele CA362308570.

ClinVar aggregate classification (germline): Pathogenic. Review status: criteria provided, multiple submitters, no conflicts (2 of 4 stars). 3 submissions from 3 submitters: Pathogenic (3). Last evaluated 2025-07-02.

Conditions:
Sotos syndrome (SOTOS). Also called: Distinctive facial appearance, overgrowth in childhood, and learning disabilities or delayed development; CHROMOSOME 5q35 DELETION SYNDROME; Sotos' syndrome; SOTOS SYNDROME 1; CEREBRAL GIGANTISM. Identifiers: Orphanet 821, MedGen C0175695, MONDO:0019349, OMIM 117550.

Submissions (3):

3billion
Classification: Pathogenic for Sotos syndrome. Last evaluated: 2025-07-02. Review status: criteria provided, single submitter. Criteria: ACMG Guidelines, 2015. Collection method: clinical testing. Allele origin: germline. Affected: yes.
Comment: The variant is not observed in the gnomAD v4.1.0 dataset. Predicted Consequence/Location: Stop-gained (nonsense): predicted to result in a loss or disruption of normal protein function through nonsense-mediated decay (NMD) or protein truncation. Multiple pathogenic variants are reported downstream of the variant. The variant has been reported at least twice as pathogenic with clinical assertions and evidence for the classification (ClinVar ID: VCV001202491 /PMID: 12807965). Therefore, this variant is classified as Pathogenic according to the recommendation of ACMG/AMP guideline.

GeneDx
Classification: Pathogenic. Last evaluated: 2024-03-07. Review status: criteria provided, single submitter. Criteria: GeneDx Variant Classification Process June 2021. Collection method: clinical testing. Allele origin: germline. Affected: yes.
Comment: Nonsense variant predicted to result in protein truncation or nonsense mediated decay in a gene for which loss of function is a known mechanism of disease; Not observed in large population cohorts (gnomAD); Identified in multiple patients with Sotos syndrome in published literature (PMID: 21834047, 12807965, 15942875); This variant is associated with the following publications: (PMID: 25525159, 15942875, 21834047, 16010675, 33726816, 31069529, 12807965)

Labcorp Genetics (formerly Invitae), Labcorp
Classification: Pathogenic. Last evaluated: 2023-07-01. Review status: criteria provided, single submitter. Criteria: Invitae Variant Classification Sherloc (09022015). Collection method: clinical testing. Allele origin: germline.
Comment: This sequence change creates a premature translational stop signal (p.Arg440*) in the NSD1 gene. It is expected to result in an absent or disrupted protein product. Loss-of-function variants in NSD1 are known to be pathogenic (PMID: 12464997, 14571271, 15942875, 16247291). This variant is not present in population databases (gnomAD no frequency). This premature translational stop signal has been observed in individual(s) with Sotos syndrome (PMID: 12807965, 15742365, 22924495). This variant is also known as R438X. ClinVar contains an entry for this variant (Variation ID: 1202491). For these reasons, this variant has been classified as Pathogenic.

Literature cited by the submitters: PubMed 12807965 (cited by 3billion and Labcorp Genetics (formerly Invitae), Labcorp); PubMed 12464997 (cited by Labcorp Genetics (formerly Invitae), Labcorp); PubMed 14571271 (cited by Labcorp Genetics (formerly Invitae), Labcorp); PubMed 15942875 (cited by Labcorp Genetics (formerly Invitae), Labcorp); PubMed 16247291 (cited by Labcorp Genetics (formerly Invitae), Labcorp); PubMed 15742365 (cited by Labcorp Genetics (formerly Invitae), Labcorp); PubMed 22924495 (cited by Labcorp Genetics (formerly Invitae), Labcorp).